The following is an entry in ClinVar:

ClinVar aggregate classification (germline): Uncertain significance (1 of 4 stars; one submission).

Conditions:
Cerebral cavernous malformation (CCM). Also called: Cavernous Hemangioma of Brain; Cerebral cavernous hemangioma (type); CAVERNOUS ANGIOMA, FAMILIAL; CAVERNOUS ANGIOMATOUS MALFORMATIONS; CEREBRAL CAPILLARY MALFORMATIONS; Cerebral cavernous malformations. Identifiers: Orphanet 221061, MedGen C2919945, MONDO:0000820, OMIM 116860, HP:0033522.

Submission:

Labcorp Genetics (formerly Invitae), Labcorp
Classification: Uncertain significance for Cerebral cavernous malformation. Last evaluated: 2023-01-15. Review status: criteria provided, single submitter. Criteria: Invitae Variant Classification Sherloc (09022015). Collection method: clinical testing. Allele origin: germline.
Comment: This sequence change replaces glycine, which is neutral and non-polar, with arginine, which is basic and polar, at codon 366 of the KRIT1 protein (p.Gly366Arg). This variant has not been reported in the literature in individuals affected with KRIT1-related conditions. This variant is not present in population databases (gnomAD no frequency). Advanced modeling of protein sequence and biophysical properties (such as structural, functional, and spatial information, amino acid conservation, physicochemical variation, residue mobility, and thermodynamic stability) performed at Invitae indicates that this missense variant is not expected to disrupt KRIT1 protein function. In summary, the available evidence is currently insufficient to determine the role of this variant in disease. Therefore, it has been classified as a Variant of Uncertain Significance.

NM_194454.3(KRIT1):c.1096G>A (p.Gly366Arg)

Gene: KRIT1 (KRIT1 ankyrin repeat containing; minus strand). Cytogenetic location: 7q21.2.
Variant type: single nucleotide variant.
Coding change: c.1096G>A on transcript NM_194454.3 (MANE Select); coding-DNA position 1096, G replaced by A.
Protein change: p.Gly366Arg; replaces glycine 366 with arginine.
Molecular consequence: missense variant.
Genome position (GRCh38, 1-based): chr7:92,226,576, C>T on the plus strand (G>A on the coding strand, the complement: KRIT1 is on the minus strand). VCF-style: chr7-92226576-C-T. GRCh37 (hg19) VCF-style: chr7-91855890-C-T.
Other names: c.952G>A, p.Gly318Arg (NM_001013406.2, NM_001350669.1, NM_001350670.1); c.382G>A, p.Gly128Arg (NM_001350671.1); c.1096G>A, p.Gly366Arg (NM_001350672.1, NM_001350673.1, NM_001350674.1 and 26 more transcripts); short protein forms G318R, G366R, G128R.
Identifiers: ClinVar variation 2828955 (VCV002828955.3), dbSNP rs1796250398, ClinGen allele CA368152684.
Genomic context (GRCh38, chr7:92,226,576, plus strand): 5'-AATAACTTACTCTATCCGTTTCTGGGTGGTTTAGGAGAATCTGTACTATTTCAGCATGTC[C>T]TCCTCCAGCAGCAAAATGAAGAGGAGAACTAAGTTGTCCATTTAAAAGGTTTGGATTGCA-3'
Protein context (NP_919436.1, residues 356-376): SSPLHFAAGG[Gly366Arg]HAEIVQILLN